The following is an entry in ClinVar:

NM_005222.4(DLX6):c.534G>A (p.Gln178=)

Genes: DLX6 (distal-less homeobox 6; plus strand), DLX6-AS1 (DLX6 antisense RNA 1; minus strand). Cytogenetic location: 7q21.3.
Variant type: single nucleotide variant.
Coding change: c.534G>A on transcript NM_005222.4 (MANE Select); coding-DNA position 534, G replaced by A.
Protein change: p.Gln178=; no amino-acid change (glutamine 178 retained).
Molecular consequence: synonymous variant.
Genome position (GRCh38, 1-based): chr7:97,007,735, G>A. VCF-style: chr7-97007735-G-A. GRCh37 (hg19) VCF-style: chr7-96637047-G-A.
Identifiers: ClinVar variation 785871 (VCV000785871.12), dbSNP rs141424124, ClinGen allele CA4353815.

ClinVar aggregate classification (germline): Benign/Likely benign. Review status: criteria provided, multiple submitters, no conflicts (2 of 4 stars). 3 submissions from 3 submitters: Benign (2); Likely benign (1). Last evaluated 2026-01-02.

Conditions:
DLX6-related disorder. Also called: DLX6-related condition.

Allele frequency attached by ClinVar (database versions not stated): ESP Exome Variant Server 0.00042; gnomAD exomes 0.00056 and 0.00199; gnomAD 0.00108 and 0.00109; TOPMed 0.00158; ExAC 0.00186; 1000 Genomes Project 30x 0.00219; 1000 Genomes Project 0.00220.
gnomAD v4.1: 989 of 1,612,514 alleles (0.061%); highest among the groups gnomAD compares: Admixed American, 0.88%; 7 homozygotes.

Submissions (3):

Labcorp Genetics (formerly Invitae), Labcorp
Classification: Benign. Last evaluated: 2026-01-02. Review status: criteria provided, single submitter. Criteria: Invitae Variant Classification Sherloc (09022015). Collection method: clinical testing. Allele origin: germline.

PreventionGenetics, part of Exact Sciences
Classification: Likely benign for DLX6-related condition. Last evaluated: 2024-12-31. Review status: criteria provided, single submitter. Criteria: ACMG Guidelines, 2015. Collection method: clinical testing. Allele origin: germline.
Comment: This variant is classified as likely benign based on ACMG/AMP sequence variant interpretation guidelines (Richards et al. 2015 PMID: 25741868, with internal and published modifications).

Breakthrough Genomics
Classification: Benign. Review status: criteria provided, single submitter. Criteria: ACMG Guidelines, 2015. Collection method: not provided. Allele origin: germline. Inheritance: Unknown mechanism. Affected: yes.